The following is an entry in ClinVar:

ClinVar aggregate classification (germline): Benign/Likely benign. Review status: criteria provided, multiple submitters, no conflicts (2 of 4 stars). 8 submissions from 8 submitters: Benign (5); Likely benign (2). 1 of the submissions does not count toward it. Last evaluated 2026-02-02.

Conditions:
Autosomal recessive nonsyndromic hearing loss 9. Also called: NEUROSENSORY NONSYNDROMIC RECESSIVE DEAFNESS 9; OTOF-Related Hearing Loss; Deafness, autosomal recessive 9; AUDITORY NEUROPATHY, AUTOSOMAL RECESSIVE, 1, TEMPERATURE-SENSITIVE. Identifiers: Orphanet 90636, MedGen C1832828, MONDO:0010986, OMIM 601071.

Allele frequency attached by ClinVar (database versions not stated): ESP Exome Variant Server 0.03045; ExAC 0.03399; gnomAD exomes 0.03475 and 0.02144; gnomAD 0.03875 and 0.03910; TOPMed 0.04084; 1000 Genomes Project 30x 0.05887; 1000 Genomes Project 0.06170.
gnomAD v4.1: 37,881 of 1,614,194 alleles (2.3%); highest among the groups gnomAD compares: East Asian, 14%; 1,023 homozygotes.

Submissions (8):

Labcorp Genetics (formerly Invitae), Labcorp
Classification: Benign. Last evaluated: 2026-02-02. Review status: criteria provided, single submitter. Criteria: Invitae Variant Classification Sherloc (09022015). Collection method: clinical testing. Allele origin: germline.

Women's Health and Genetics/Laboratory Corporation of America, LabCorp
Classification: Benign. Last evaluated: 2026-01-08. Review status: criteria provided, single submitter. Criteria: LabCorp Variant Classification Summary - May 2015. Collection method: clinical testing. Allele origin: germline.

Mayo Clinic Laboratories, Mayo Clinic
Classification: Benign. Last evaluated: 2021-11-07. Review status: criteria provided, single submitter. Criteria: ACMG Guidelines, 2015. Collection method: clinical testing. Allele origin: germline. Observed: 8 variant alleles.

Illumina Laboratory Services, Illumina
Classification: Likely benign for Autosomal recessive nonsyndromic hearing loss 9. Last evaluated: 2018-01-12. Review status: criteria provided, single submitter. Criteria: ICSL Variant Classification Criteria 13 December 2019. Collection method: clinical testing. Allele origin: germline.
Comment: This variant was observed in the ICSL laboratory as part of a predisposition screen in an ostensibly healthy population. It had not been previously curated by ICSL or reported in the Human Gene Mutation Database (HGMD: prior to June 1st, 2018), and was therefore a candidate for classification through an automated scoring system. Utilizing variant allele frequency, disease prevalence and penetrance estimates, and inheritance mode, an automated score was calculated to assess if this variant is too frequent to cause the disease. Based on the score and internal cut-off values, a variant classified as likely benign is not then subjected to further curation. The score for this variant resulted in a classification of likely benign for this disease.

GeneDx
Classification: Benign. Last evaluated: 2017-08-03. Review status: criteria provided, single submitter. Criteria: GeneDx Variant Classification (06012015). Collection method: clinical testing. Allele origin: germline. Affected: yes.
Comment: This variant is considered likely benign or benign based on one or more of the following criteria: it is a conservative change, it occurs at a poorly conserved position in the protein, it is predicted to be benign by multiple in silico algorithms, and/or has population frequency not consistent with disease.

Laboratory for Molecular Medicine, Mass General Brigham Personalized Medicine
Classification: Benign. Last evaluated: 2008-02-19. Review status: criteria provided, single submitter. Criteria: LMM Criteria. Collection method: clinical testing. Allele origin: germline. Observed: 105 variant alleles.

Breakthrough Genomics
Classification: Likely benign. Review status: criteria provided, single submitter. Criteria: ACMG Guidelines, 2015. Collection method: not provided. Allele origin: germline. Inheritance: Autosomal recessive inheritance. Affected: yes.

GeneReviews
No classification provided. Condition: Autosomal recessive nonsyndromic hearing loss 9. Review status: no classification provided. Collection method: literature only. Allele origin: unknown. Not counted in ClinVar's aggregate classification.

Literature cited by the submitters: PubMed 20301429 (cited by GeneReviews); NCBI Bookshelf NBK1251 (cited by GeneReviews).

NM_194248.3(OTOF):c.4677G>A (p.Val1559=)

Gene: OTOF (otoferlin; minus strand). Cytogenetic location: 2p23.3.
Variant type: single nucleotide variant.
Coding change: c.4677G>A on transcript NM_194248.3 (MANE Select); coding-DNA position 4677, G replaced by A.
Protein change: p.Val1559=; no amino-acid change (valine 1559 retained).
Molecular consequence: synonymous variant.
Genome position (GRCh38, 1-based): chr2:26,465,794, C>T on the plus strand (G>A on the coding strand, the complement: OTOF is on the minus strand). VCF-style: chr2-26465794-C-T. GRCh37 (hg19) VCF-style: chr2-26688662-C-T.
Other names: p.Val1559=; c.4677G>A, p.Val1559= (NM_001287489.2); c.2376G>A, p.Val792= (NM_004802.4, NM_194323.3); c.2607G>A, p.Val869= (NM_194322.3).
Identifiers: ClinVar variation 21853 (VCV000021853.21), dbSNP rs2272071, ClinGen allele CA142897.